The following is an entry in ClinVar:

ClinVar aggregate classification (germline): Likely benign. Review status: criteria provided, multiple submitters, no conflicts (2 of 4 stars). 2 submissions from 2 submitters: Likely benign (2). Last evaluated 2026-07-01.

Conditions:
Inborn genetic diseases. Identifiers: MedGen C0950123, MeSH D030342.

Allele frequency attached by ClinVar (database versions not stated): gnomAD 0.00007; ExAC 0.00008; gnomAD exomes 0.00008; TOPMed 0.00022; ESP Exome Variant Server 0.00024.
gnomAD v4.1: 144 of 1,612,498 alleles (0.0089%); highest among the groups gnomAD compares: Admixed American, 0.035%; 1 homozygote.

Submissions (2):

CeGaT Center for Human Genetics Tuebingen
Classification: Likely benign. Last evaluated: 2026-07-01. Review status: criteria provided, single submitter. Criteria: CeGaT Center For Human Genetics Tuebingen Variant Classification Criteria Version 2. Collection method: clinical testing. Allele origin: germline. Affected: yes. Observed: 1 variant allele.
Comment: MAPK8IP3: BS2

Ambry Genetics
Classification: Likely benign for Inborn genetic diseases. Last evaluated: 2022-05-14. Review status: criteria provided, single submitter. Criteria: Ambry Variant Classification Scheme 2023. Collection method: clinical testing. Allele origin: germline.

NM_001318852.2(MAPK8IP3):c.2368G>A (p.Asp790Asn)

Gene: MAPK8IP3 (mitogen-activated protein kinase 8 interacting protein 3; plus strand). Cytogenetic location: 16p13.3.
Variant type: single nucleotide variant.
Coding change: c.2368G>A on transcript NM_001318852.2 (MANE Select); coding-DNA position 2368, G replaced by A.
Protein change: p.Asp790Asn; replaces aspartic acid 790 with asparagine.
Molecular consequence: missense variant.
Genome position (GRCh38, 1-based): chr16:1,765,100, G>A. VCF-style: chr16-1765100-G-A. GRCh37 (hg19) VCF-style: chr16-1815101-G-A.
Other names: c.2347G>A, p.Asp783Asn (NM_001040439.2); c.2365G>A, p.Asp789Asn (NM_015133.5, NM_033392.3); short protein forms D790N, D783N, D789N.
Identifiers: ClinVar variation 2384819 (VCV002384819.3), dbSNP rs376382730, ClinGen allele CA7817235.
Genomic context (GRCh38, chr16:1,765,100, plus strand): 5'-ACCTCCAGCCGGGTGTGGATCCTGACCAGCACCCTGACCACCAGCAAGGTGGTGATCATC[G>A]ACGCCAACCAGCCGGGCACGGTGGTGGACCAGTTCACCGTCTGCAACGCGCACGTGCTGT-3'
Protein context (NP_001305781.1, residues 780-800): TLTTSKVVII[Asp790Asn]ANQPGTVVDQ